The following is an entry in ClinVar:

NM_000287.4(PEX6):c.2177A>C (p.Glu726Ala)

Gene: PEX6 (peroxisomal biogenesis factor 6; minus strand). Cytogenetic location: 6p21.1.
Variant type: single nucleotide variant.
Coding change: c.2177A>C on transcript NM_000287.4 (MANE Select); coding-DNA position 2177, A replaced by C.
Protein change: p.Glu726Ala; replaces glutamic acid 726 with alanine.
Molecular consequence: missense variant.
Genome position (GRCh38, 1-based): chr6:42,966,365, T>G on the plus strand (A>C on the coding strand, the complement: PEX6 is on the minus strand). VCF-style: chr6-42966365-T-G. GRCh37 (hg19) VCF-style: chr6-42934103-T-G.
Other names: c.1913A>C, p.Glu638Ala (NM_001316313.2); short protein forms E726A, E638A.
Identifiers: ClinVar variation 1495258 (VCV001495258.3), dbSNP rs1250862310, ClinGen allele CA364152344.

ClinVar aggregate classification (germline): Uncertain significance (1 of 4 stars; one submission).

Conditions:
Peroxisome biogenesis disorder. Identifiers: Orphanet 79189, MedGen C1832200, MONDO:0019234. Disease mechanism: loss of function.

Allele frequency attached by ClinVar (database versions not stated): TOPMed below 0.00001; gnomAD 0.00001.
gnomAD v4.1: 1 of 1,613,836 alleles (0.000062%); highest among the groups gnomAD compares: African/African-American, 0.0013%; no homozygotes.

Submission:

Labcorp Genetics (formerly Invitae), Labcorp
Classification: Uncertain significance for Peroxisome biogenesis disorder. Last evaluated: 2021-10-28. Review status: criteria provided, single submitter. Criteria: Invitae Variant Classification Sherloc (09022015). Collection method: clinical testing. Allele origin: germline.
Comment: This sequence change replaces glutamic acid, which is acidic and polar, with alanine, which is neutral and non-polar, at codon 726 of the PEX6 protein (p.Glu726Ala). This variant is not present in population databases (gnomAD no frequency). This variant has not been reported in the literature in individuals affected with PEX6-related conditions. Algorithms developed to predict the effect of missense changes on protein structure and function (SIFT, PolyPhen-2, Align-GVGD) all suggest that this variant is likely to be tolerated. In summary, the available evidence is currently insufficient to determine the role of this variant in disease. Therefore, it has been classified as a Variant of Uncertain Significance.